The following is an entry in ClinVar:

NM_001244008.2(KIF1A):c.363+4C>G

Gene: KIF1A (kinesin family member 1A; minus strand). Cytogenetic location: 2q37.3.
Variant type: single nucleotide variant.
Coding change: c.363+4C>G on transcript NM_001244008.2 (MANE Select); 4 bases into the intron after coding-DNA position 363, C replaced by G.
Molecular consequence: intron variant.
Genome position (GRCh38, 1-based): chr2:240,788,047, G>C on the plus strand (C>G on the coding strand, the complement: KIF1A is on the minus strand). VCF-style: chr2-240788047-G-C. GRCh37 (hg19) VCF-style: chr2-241727464-G-C.
Other names: c.363+4C>G (NM_001379653.1, NM_001379650.1, NM_001379645.1 and 20 more transcripts).
Identifiers: ClinVar variation 2923688 (VCV002923688.4), dbSNP rs770137926, ClinGen allele CA540753303.
Genomic context (GRCh38, chr2:240,788,047, plus strand): 5'-TCTCAGCCTCAGCTGGTCCCGCCCCATCTGCCAGGGCTGCCCCCGCCCGCCCCCCGCTTC[G>C]TGCCTGTGGGATGATGCCCTGCTGGTCCTTCTCCTGCTTGCCCATCATGGTGTAGGACTT-3'

ClinVar aggregate classification (germline): Conflicting classifications of pathogenicity. Review status: criteria provided, conflicting classifications (1 of 4 stars). 2 submissions from 2 submitters: Uncertain significance (1); Likely benign (1). Last evaluated 2024-11-06.

Conditions:
Hereditary spastic paraplegia 30. Identifiers: Orphanet 101010, MedGen C5235139, MONDO:0012476.
Neuropathy, hereditary sensory, type 2C. Also called: KIF1A-Related HSAN2 (HSAN2C); Hereditary sensory and autonomic neuropathy type IIC. Identifiers: Orphanet 970, MedGen C3280168, MONDO:0013634, OMIM 614213.
Intellectual disability, autosomal dominant 9 (NESCAVS). Also called: NESCAV SYNDROME; KIF1A-Related Neurodevelopmental Disorder. Identifiers: Orphanet 662367, MedGen C5393830, MONDO:0013656, OMIM 614255.

Submissions (2):

Blueprint Genetics
Classification: Likely benign. Last evaluated: 2024-11-06. Review status: criteria provided, single submitter. Criteria: ACMG Guidelines, 2015. Collection method: clinical testing. Allele origin: germline.

Labcorp Genetics (formerly Invitae), Labcorp
Classification: Uncertain significance for Hereditary spastic paraplegia 30; Neuropathy, hereditary sensory, type 2C; Intellectual disability, autosomal dominant 9. Last evaluated: 2023-10-26. Review status: criteria provided, single submitter. Criteria: Invitae Variant Classification Sherloc (09022015). Collection method: clinical testing. Allele origin: germline.
Comment: This sequence change falls in intron 3 of the KIF1A gene. It does not directly change the encoded amino acid sequence of the KIF1A protein. It affects a nucleotide within the consensus splice site. The frequency data for this variant in the population databases is considered unreliable, as metrics indicate poor data quality at this position in the gnomAD database. This variant has not been reported in the literature in individuals affected with KIF1A-related conditions. Variants that disrupt the consensus splice site are a relatively common cause of aberrant splicing (PMID: 17576681, 9536098). Algorithms developed to predict the effect of sequence changes on RNA splicing suggest that this variant is not likely to affect RNA splicing. In summary, the available evidence is currently insufficient to determine the role of this variant in disease. Therefore, it has been classified as a Variant of Uncertain Significance.

Literature cited by the submitters: PubMed 17576681 (cited by Labcorp Genetics (formerly Invitae), Labcorp); PubMed 9536098 (cited by Labcorp Genetics (formerly Invitae), Labcorp).